The following is an entry in ClinVar:

NM_025137.4(SPG11):c.2121C>A (p.Phe707Leu)

Gene: SPG11 (SPG11 vesicle trafficking associated, spatacsin; minus strand). Cytogenetic location: 15q21.1.
Variant type: single nucleotide variant.
Coding change: c.2121C>A on transcript NM_025137.4 (MANE Select); coding-DNA position 2121, C replaced by A.
Protein change: p.Phe707Leu; replaces phenylalanine 707 with leucine.
Molecular consequence: missense variant.
Genome position (GRCh38, 1-based): chr15:44,626,454, G>T on the plus strand (C>A on the coding strand, the complement: SPG11 is on the minus strand). VCF-style: chr15-44626454-G-T. GRCh37 (hg19) VCF-style: chr15-44918652-G-T.
Other names: c.2121C>A, p.Phe707Leu (NM_001160227.2); short protein forms F707L.
Identifiers: ClinVar variation 1063674 (VCV001063674.10), dbSNP rs1239554492, ClinGen allele CA392233823.

ClinVar aggregate classification (germline): Uncertain significance. Review status: criteria provided, multiple submitters, no conflicts (2 of 4 stars). 3 submissions from 3 submitters: Uncertain significance (3). Last evaluated 2025-11-02.

Conditions:
Hereditary spastic paraplegia 11. Also called: Spastic paraplegia, mental retardation and thin corpus callosum; Spastic Paraplegia 11; SPASTIC PARAPLEGIA, AUTOSOMAL RECESSIVE, COMPLICATED, WITH THIN CORPUS CALLOSUM; SPASTIC PARAPLEGIA, AUTOSOMAL RECESSIVE, WITH MENTAL IMPAIRMENT AND THIN CORPUS CALLOSUM; Autosomal recessive hereditary spastic paraplegia, mental impairment, and thin corpus callosum; Nakamura Osame syndrome. Identifiers: Orphanet 2822, MedGen C1858479, MONDO:0011445, OMIM 604360.
Inborn genetic diseases. Identifiers: MedGen C0950123, MeSH D030342.

Allele frequency attached by ClinVar (database versions not stated): gnomAD exomes below 0.00001.
gnomAD v4.1: 15 of 1,613,916 alleles (0.00093%); highest among the groups gnomAD compares: Non-Finnish European, 0.0013%; no homozygotes.

Submissions (3):

Ambry Genetics
Classification: Uncertain significance for Inborn genetic diseases. Last evaluated: 2025-11-02. Review status: criteria provided, single submitter. Criteria: Ambry Variant Classification Scheme 2023. Collection method: clinical testing. Allele origin: germline.

GeneDx
Classification: Uncertain significance. Last evaluated: 2025-08-29. Review status: criteria provided, single submitter. Criteria: GeneDx Variant Classification Process June 2021. Collection method: clinical testing. Allele origin: germline.
Comment: Not observed at significant frequency in large population cohorts (gnomAD); In silico analysis suggests that this missense variant does not alter protein structure/function; Has not been previously published as pathogenic or benign to our knowledge

Labcorp Genetics (formerly Invitae), Labcorp
Classification: Uncertain significance for Hereditary spastic paraplegia 11. Last evaluated: 2024-10-23. Review status: criteria provided, single submitter. Criteria: Invitae Variant Classification Sherloc (09022015). Collection method: clinical testing. Allele origin: germline.
Comment: This sequence change replaces phenylalanine, which is neutral and non-polar, with leucine, which is neutral and non-polar, at codon 707 of the SPG11 protein (p.Phe707Leu). This variant is present in population databases (no rsID available, gnomAD 0.0009%). This variant has not been reported in the literature in individuals affected with SPG11-related conditions. ClinVar contains an entry for this variant (Variation ID: 1063674). Invitae Evidence Modeling of protein sequence and biophysical properties (such as structural, functional, and spatial information, amino acid conservation, physicochemical variation, residue mobility, and thermodynamic stability) indicates that this missense variant is expected to disrupt SPG11 protein function with a positive predictive value of 80%. In summary, the available evidence is currently insufficient to determine the role of this variant in disease. Therefore, it has been classified as a Variant of Uncertain Significance.